The following is an entry in ClinVar:

NM_001793.6(CDH3):c.1462A>G (p.Met488Val)

Gene: CDH3 (cadherin 3; plus strand). Cytogenetic location: 16q22.1.
Variant type: single nucleotide variant.
Coding change: c.1462A>G on transcript NM_001793.6 (MANE Select); coding-DNA position 1462, A replaced by G.
Protein change: p.Met488Val; replaces methionine 488 with valine.
Molecular consequence: missense variant.
Genome position (GRCh38, 1-based): chr16:68,685,242, A>G. VCF-style: chr16-68685242-A-G. GRCh37 (hg19) VCF-style: chr16-68719145-A-G.
Other names: c.1462A>G, p.Met488Val (NM_001317195.3); c.1297A>G, p.Met433Val (NM_001317196.2); short protein forms M433V, M488V.
Identifiers: ClinVar variation 2078628 (VCV002078628.3), dbSNP rs771727027, ClinGen allele CA8129368.
Genomic context (GRCh38, chr16:68,685,242, plus strand): 5'-TCGTCTCAACTTTTCCTCTCCAGCTACCGCATCCTGAGAGACCCAGCAGGGTGGCTAGCC[A>G]TGGACCCAGACAGTGGGCAGGTCACAGCTGTGGGCACCCTCGACCGTGAGGATGAGCAGT-3'
Protein context (NP_001784.2, residues 478-498): ILRDPAGWLA[Met488Val]DPDSGQVTAV

ClinVar aggregate classification (germline): Uncertain significance (1 of 4 stars; one submission).

Allele frequency attached by ClinVar (database versions not stated): TOPMed 0.00002; ExAC 0.00003; gnomAD 0.00001; gnomAD exomes 0.00002.
gnomAD v4.1: 26 of 1,614,036 alleles (0.0016%); highest among the groups gnomAD compares: South Asian, 0.026%; no homozygotes.

Submission:

Labcorp Genetics (formerly Invitae), Labcorp
Classification: Uncertain significance. Last evaluated: 2025-01-13. Review status: criteria provided, single submitter. Criteria: Invitae Variant Classification Sherloc (09022015). Collection method: clinical testing. Allele origin: germline.
Comment: This sequence change replaces methionine, which is neutral and non-polar, with valine, which is neutral and non-polar, at codon 488 of the CDH3 protein (p.Met488Val). This variant is present in population databases (rs771727027, gnomAD 0.01%). This variant has not been reported in the literature in individuals affected with CDH3-related conditions. ClinVar contains an entry for this variant (Variation ID: 2078628). Invitae Evidence Modeling of protein sequence and biophysical properties (such as structural, functional, and spatial information, amino acid conservation, physicochemical variation, residue mobility, and thermodynamic stability) indicates that this missense variant is not expected to disrupt CDH3 protein function with a negative predictive value of 80%. In summary, the available evidence is currently insufficient to determine the role of this variant in disease. Therefore, it has been classified as a Variant of Uncertain Significance.